The following is an entry in ClinVar:

ClinVar aggregate classification (germline): Uncertain significance (1 of 4 stars; one submission).

gnomAD v4.1: 40 of 1,613,894 alleles (0.0025%); highest among the groups gnomAD compares: East Asian, 0.022%; no homozygotes.

Submission:

Labcorp Genetics (formerly Invitae), Labcorp
Classification: Uncertain significance. Last evaluated: 2024-02-17. Review status: criteria provided, single submitter. Criteria: Invitae Variant Classification Sherloc (09022015). Collection method: clinical testing. Allele origin: germline.
Comment: This sequence change replaces arginine, which is basic and polar, with tryptophan, which is neutral and slightly polar, at codon 990 of the EMC1 protein (p.Arg990Trp). This variant is present in population databases (rs755567367, gnomAD 0.01%). This variant has not been reported in the literature in individuals affected with EMC1-related conditions. ClinVar contains an entry for this variant (Variation ID: 1367729). Advanced modeling of protein sequence and biophysical properties (such as structural, functional, and spatial information, amino acid conservation, physicochemical variation, residue mobility, and thermodynamic stability) performed at Invitae indicates that this missense variant is expected to disrupt EMC1 protein function with a positive predictive value of 80%. In summary, the available evidence is currently insufficient to determine the role of this variant in disease. Therefore, it has been classified as a Variant of Uncertain Significance.

NM_015047.3(EMC1):c.2968C>T (p.Arg990Trp)

Genes: EMC1 (ER membrane protein complex subunit 1; minus strand), EMC1-AS1 (EMC1 antisense RNA 1; plus strand). Cytogenetic location: 1p36.13.
Variant type: single nucleotide variant.
Coding change: c.2968C>T on transcript NM_015047.3 (MANE Select); coding-DNA position 2968, C replaced by T.
Protein change: p.Arg990Trp; replaces arginine 990 with tryptophan.
Molecular consequence: missense variant.
Genome position (GRCh38, 1-based): chr1:19,219,317, G>A on the plus strand (C>T on the coding strand, the complement: EMC1 is on the minus strand). VCF-style: chr1-19219317-G-A. GRCh37 (hg19) VCF-style: chr1-19545811-G-A.
Other names: c.2965C>T, p.Arg989Trp (NM_001271427.2, NM_001271428.2); c.2902C>T, p.Arg968Trp (NM_001271429.2); c.2977C>T, p.Arg993Trp (NM_001375820.1); c.2974C>T, p.Arg992Trp (NM_001375821.1); short protein forms R968W, R990W, R992W, R989W, R993W.
Identifiers: ClinVar variation 1367729 (VCV001367729.6), dbSNP rs755567367, ClinGen allele CA652111.